The following is an entry in ClinVar:

NM_001256789.3(CACNA1F):c.664+9C>T

Gene: CACNA1F (calcium voltage-gated channel subunit alpha1 F; minus strand). Cytogenetic location: Xp11.23.
Variant type: single nucleotide variant.
Coding change: c.664+9C>T on transcript NM_001256789.3 (MANE Select); 9 bases into the intron after coding-DNA position 664, C replaced by T.
Molecular consequence: intron variant.
Genome position (GRCh38, 1-based): chrX:49,230,458, G>A on the plus strand (C>T on the coding strand, the complement: CACNA1F is on the minus strand). VCF-style: chrX-49230458-G-A. GRCh37 (hg19) VCF-style: chrX-49086920-G-A.
Other names: c.664+9C>T (NM_005183.4); c.469+9C>T (NM_001256790.3).
Identifiers: ClinVar variation 3001587 (VCV003001587.3), dbSNP rs1310471708, ClinGen allele CA875959108.

ClinVar aggregate classification (germline): Uncertain significance (1 of 4 stars; one submission).

Allele frequency attached by ClinVar (database versions not stated): gnomAD exomes below 0.00001; gnomAD 0.00001; TOPMed 0.00001.
gnomAD v4.1: 2 of 1,206,984 alleles (0.00017%); highest among the groups gnomAD compares: Non-Finnish European, 0.00022%; no homozygotes.

Submission:

Labcorp Genetics (formerly Invitae), Labcorp
Classification: Uncertain significance. Last evaluated: 2023-01-30. Review status: criteria provided, single submitter. Criteria: Invitae Variant Classification Sherloc (09022015). Collection method: clinical testing. Allele origin: germline.
Comment: This sequence change falls in intron 5 of the CACNA1F gene. It does not directly change the encoded amino acid sequence of the CACNA1F protein. This variant is not present in population databases (gnomAD no frequency). This variant has not been reported in the literature in individuals affected with CACNA1F-related conditions. Algorithms developed to predict the effect of sequence changes on RNA splicing suggest that this variant may create or strengthen a splice site. In summary, the available evidence is currently insufficient to determine the role of this variant in disease. Therefore, it has been classified as a Variant of Uncertain Significance.